The following is an entry in ClinVar:

NM_004415.4(DSP):c.6349G>C (p.Asp2117His)

Gene: DSP (desmoplakin; plus strand). Cytogenetic location: 6p24.3.
Variant type: single nucleotide variant.
Coding change: c.6349G>C on transcript NM_004415.4 (MANE Select); coding-DNA position 6349, G replaced by C.
Protein change: p.Asp2117His; replaces aspartic acid 2117 with histidine.
Molecular consequence: missense variant.
Genome position (GRCh38, 1-based): chr6:7,583,611, G>C. VCF-style: chr6-7583611-G-C. GRCh37 (hg19) VCF-style: chr6-7583844-G-C.
Other names: c.4552G>C, p.Asp1518His (NM_001008844.3); c.5020G>C, p.Asp1674His (NM_001319034.2); short protein forms D1518H, D1674H, D2117H.
Identifiers: ClinVar variation 1752985 (VCV001752985.3), dbSNP rs1759528366, ClinGen allele CA362690608.

ClinVar aggregate classification (germline): Uncertain significance. Review status: criteria provided, multiple submitters, no conflicts (2 of 4 stars). 2 submissions from 2 submitters: Uncertain significance (2). Last evaluated 2025-10-05.

Conditions:
Cardiovascular phenotype. Identifiers: MedGen CN230736.
Cardiomyopathy (CMYO). Also called: Cardiomyopathies. Identifiers: Orphanet 167848, MedGen C0878544, MONDO:0004994, HP:0001638. Inheritance: Various modes of inheritance.

Submissions (2):

Color Diagnostics, LLC DBA Color Health
Classification: Uncertain significance for Cardiomyopathy. Last evaluated: 2025-10-05. Review status: criteria provided, single submitter. Criteria: ACMG Guidelines, 2015. Collection method: clinical testing. Allele origin: germline.
Comment: This missense variant replaces aspartic acid with histidine at codon 2117 of the DSP protein. Computational prediction suggests that this variant may not impact protein structure and function. To our knowledge, functional studies have not been reported for this variant. This variant has not been reported in individuals affected with DSP-related disorders in the literature. This variant has not been identified in the general population by the Genome Aggregation Database (gnomAD). The available evidence is insufficient to determine the role of this variant in disease conclusively. Therefore, this variant is classified as a Variant of Uncertain Significance.

Ambry Genetics
Classification: Uncertain significance for Cardiovascular phenotype. Last evaluated: 2019-12-17. Review status: criteria provided, single submitter. Criteria: Ambry Variant Classification Scheme 2023. Collection method: clinical testing. Allele origin: germline.
Comment: The p.D2117H variant (also known as c.6349G>C), located in coding exon 24 of the DSP gene, results from a G to C substitution at nucleotide position 6349. The aspartic acid at codon 2117 is replaced by histidine, an amino acid with similar properties. This amino acid position is well conserved in available vertebrate species. In addition, the in silico prediction for this alteration is inconclusive. Since supporting evidence is limited at this time, the clinical significance of this alteration remains unclear.